The following is an entry in ClinVar:

ClinVar aggregate classification (germline): Conflicting classifications of pathogenicity. Review status: criteria provided, conflicting classifications (1 of 4 stars). 9 submissions from 9 submitters: Pathogenic (3); Likely pathogenic (5); Likely benign (1). Last evaluated 2025-05-22.

Conditions:
Hereditary hemorrhagic telangiectasia (HHT). Also called: ORW DISEASE; Osler Weber Rendu syndrome; Osler hemorrhagic telangiectasia syndrome; OSLER-RENDU-WEBER DISEASE. Identifiers: Orphanet 774, MedGen C0039445, MONDO:0019180. Disease mechanism: loss of function.
Cardiovascular phenotype. Identifiers: MedGen CN230736.
ENG-related disorder. Also called: ENG-related condition; ENG-related disorders.
Telangiectasia, hereditary hemorrhagic, type 1 (HHT1). Also called: Osler Weber Rendu syndrome type 1; ENG-Related Hereditary Hemorrhagic Telangiectasia. Identifiers: Orphanet 774, MedGen C4551861, MONDO:0008535, OMIM 187300. Disease mechanism: loss of function.

gnomAD v4.1: 12 of 1,614,020 alleles (0.00074%); highest among the groups gnomAD compares: African/African-American, 0.0013%; no homozygotes.

Submissions (9):

Variantyx, Inc.
Classification: Likely pathogenic for Telangiectasia, hereditary hemorrhagic, type 1. Last evaluated: 2025-05-22. Review status: criteria provided, single submitter. Criteria: Variantyx Assertion Criteria 2022. Collection method: clinical testing. Allele origin: germline. Inheritance: Autosomal recessive inheritance.
Comment: This is a synonymous variant in the ENG gene (OMIM: 131195). Pathogenic variants in this gene have been associated with autosomal dominant hereditary hemorrhagic telangiectasia type 1. This variant has been reported in at least 2 unrelated affected individuals (PMID: 17384219, 34872578) (PS4_Moderate). Functional studies have shown that this variant alters ENG protein function (PMID: 17384219) (PS3), and algorithms that predict the potential impact of sequence variants on RNA splicing suggest that this variant may not disrupt normal splicing (BP4). This variant has a 0.0030% maximum allele frequency in non-founder control populations (PM2). Based on the current evidence, this variant is classified as likely pathogenic for autosomal dominant hereditary hemorrhagic telangiectasia type 1.

GeneDx
Classification: Likely pathogenic. Last evaluated: 2025-05-05. Review status: criteria provided, single submitter. Criteria: GeneDx Variant Classification Process June 2021. Collection method: clinical testing. Allele origin: germline. Affected: yes.
Comment: Published functional studies demonstrate that the c.219 G>A variant, which is part of the splice site consensus sequence in exon 2, leads to aberrant gene splicing and skipping of exon 2 (PMID: 17384219); Not observed at significant frequency in large population cohorts (gnomAD); This variant is associated with the following publications: (PMID: 17384219, 34872578, 24196379)

Labcorp Genetics (formerly Invitae), Labcorp
Classification: Pathogenic for Hereditary hemorrhagic telangiectasia. Last evaluated: 2025-05-01. Review status: criteria provided, single submitter. Criteria: Invitae Variant Classification Sherloc (09022015). Collection method: clinical testing. Allele origin: germline.
Comment: This sequence change affects codon 73 of the ENG mRNA. It is a 'silent' change, meaning that it does not change the encoded amino acid sequence of the ENG protein. This variant also falls at the last nucleotide of exon 2, which is part of the consensus splice site for this exon. This variant is present in population databases (rs755348996, gnomAD 0.004%). This variant has been observed in individuals with clinical features of hereditary hemorrhagic telangiectasia (PMID: 17384219, 24196379; internal data). ClinVar contains an entry for this variant (Variation ID: 407128). Variants that disrupt the consensus splice site are a relatively common cause of aberrant splicing (PMID: 17576681, 9536098). Algorithms developed to predict the effect of sequence changes on RNA splicing suggest that this variant is not likely to affect RNA splicing. For these reasons, this variant has been classified as Pathogenic.

CeGaT Center for Human Genetics Tuebingen
Classification: Likely benign. Last evaluated: 2024-02-01. Review status: criteria provided, single submitter. Criteria: CeGaT Center For Human Genetics Tuebingen Variant Classification Criteria Version 2. Collection method: clinical testing. Allele origin: germline. Affected: yes. Observed: 1 variant allele.
Comment: ENG: BP4, BP7

Impact Genetics, Dynacare/LabCorp
Classification: Likely pathogenic for Telangiectasia, hereditary hemorrhagic, type 1. Last evaluated: 2023-11-02. Review status: criteria provided, single submitter. Criteria: DeMille et al. (Hum Mutat. 2024). Collection method: clinical testing. Allele origin: germline.
Comment: PS3, PM2_supporting, PS4_moderate

Women's Health and Genetics/Laboratory Corporation of America, LabCorp
Classification: Likely pathogenic for ENG-Related Disorders. Last evaluated: 2023-07-26. Review status: criteria provided, single submitter. Criteria: LabCorp Variant Classification Summary - May 2015. Collection method: clinical testing. Allele origin: germline.
Comment: Variant summary: ENG c.219G>A (p.Thr73Thr) alters a non-conserved nucleotide located close to a canonical splice site and therefore could affect mRNA splicing, leading to a significantly altered protein sequence. Several computational tools predict a significant impact on normal splicing: Three predict the variant weakens the canonical 5' donor site. At least one publication reports experimental evidence that this variant affects mRNA splicing (examples: Gedge_2007). The variant allele was found at a frequency of 1.6e-05 in 251270 control chromosomes (gnomAD). c.219G>A has been reported in the literature in individuals affected with Hereditary Hemorrhagic Telangiectasia (examples: Gedge_2007 and Kitayama_2021). These data indicate that the variant may be associated with disease. The following publications have been ascertained in the context of this evaluation (PMID: 17384219, 34872578). Five submitters have cited clinical-significance assessments for this variant to ClinVar after 2014. All submitters classified the variant as pathogenic/likely pathogenic. Based on the evidence outlined above, the variant was classified as likely pathogenic.

Ambry Genetics
Classification: Likely pathogenic for Cardiovascular phenotype. Last evaluated: 2022-01-18. Review status: criteria provided, single submitter. Criteria: Ambry Variant Classification Scheme 2023. Collection method: clinical testing. Allele origin: germline.
Comment: The c.219G>A variant (also known as p.T73T) is located in coding exon 2 of the ENG gene. This variant results from a G to A substitution at nucleotide position 219. This nucleotide substitution does not change the threonine at codon 73. However, this change occurs in the last base pair of coding exon 2, which makes it likely to have some effect on normal mRNA splicing. This alteration has been reported in multiple individuals with hereditary hemorrhagic telangiectasia (HHT) (Gedge F et al. J Mol Diagn, 2007 Apr;9:258-65; Komiyama M et al. J. Hum. Genet., 2014 Jan;59:37-41; Ambry internal data). In addition, mRNA studies showed exon 2 skipping (Gedge F et al. J Mol Diagn, 2007 Apr;9:258-65). This nucleotide position is not well conserved in available vertebrate species. In silico splice site analysis predicts that this alteration will not have any significant effect on splicing. Based on the majority of available evidence to date, this variant is likely to be pathogenic.

Seattle Children's Hospital Molecular Genetics Laboratory, Seattle Children's Hospital
Classification: Pathogenic. Last evaluated: 2021-11-29. Review status: criteria provided, single submitter. Criteria: ACMG Guidelines, 2015. Collection method: clinical testing. Allele origin: germline. Inheritance: Autosomal dominant inheritance. Affected: yes.
Comment: The ENG c.219G>A variant is at the last nucleotide of exon 2, which is part of the consensus splice site for this exon. This variant has been previously reported to disrupt splicing, resulting in a frameshift and loss-of-function, in an individual reported as having hereditary hemorrhagic telangiectasia (PMID: 17384219).

ARUP Laboratories, Molecular Genetics and Genomics, ARUP Laboratories
Classification: Pathogenic. Last evaluated: 2017-05-05. Review status: criteria provided, single submitter. Criteria: ARUP Molecular Germline Variant Investigation Process. Collection method: clinical testing. Allele origin: germline.

Literature cited by the submitters: PubMed 17384219 (cited by 6 submitters); PubMed 34872578 (cited by 3 submitters); PubMed 24196379 (cited by 3 submitters); PubMed 17576681 (cited by Labcorp Genetics (formerly Invitae), Labcorp and Impact Genetics, Dynacare/LabCorp); PubMed 9536098 (cited by Labcorp Genetics (formerly Invitae), Labcorp and Impact Genetics, Dynacare/LabCorp).

NM_001114753.3(ENG):c.219G>A (p.Thr73=)

Gene: ENG (endoglin; minus strand). Cytogenetic location: 9q34.11.
Variant type: single nucleotide variant.
Coding change: c.219G>A on transcript NM_001114753.3 (MANE Select); coding-DNA position 219, G replaced by A.
Protein change: p.Thr73=; no amino-acid change (threonine 73 retained).
Molecular consequence: synonymous variant. On other transcripts: 5 prime UTR variant (1).
Genome position (GRCh38, 1-based): chr9:127,843,094, C>T on the plus strand (G>A on the coding strand, the complement: ENG is on the minus strand). VCF-style: chr9-127843094-C-T. GRCh37 (hg19) VCF-style: chr9-130605373-C-T.
Other names: c.219G>A, p.Thr73= (NM_000118.4, NM_001406715.1); c.-328G>A (NM_001278138.2).
Identifiers: ClinVar variation 407128 (VCV000407128.45), dbSNP rs755348996, ClinGen allele CA5253209.